The following is an entry in ClinVar:

NM_016507.4(CDK12):c.1412A>T (p.Glu471Val)

Gene: CDK12 (cyclin dependent kinase 12; plus strand). Cytogenetic location: 17q12.
Variant type: single nucleotide variant.
Coding change: c.1412A>T on transcript NM_016507.4 (MANE Select); coding-DNA position 1412, A replaced by T.
Protein change: p.Glu471Val; replaces glutamic acid 471 with valine.
Molecular consequence: missense variant.
Genome position (GRCh38, 1-based): chr17:39,471,244, A>T. VCF-style: chr17-39471244-A-T. GRCh37 (hg19) VCF-style: chr17-37627497-A-T.
Other names: c.1412A>T, p.Glu471Val (NM_015083.4); short protein forms E471V.
Identifiers: ClinVar variation 4651388 (VCV004651388.1).

ClinVar aggregate classification (germline): Uncertain significance (1 of 4 stars; one submission).

gnomAD v4.1: 3 of 1,608,772 alleles (0.00019%); highest among the groups gnomAD compares: South Asian, 0.0022%; no homozygotes.

Submission:

Ambry Genetics
Classification: Uncertain significance. Last evaluated: 2025-10-21. Review status: criteria provided, single submitter. Criteria: Ambry Variant Classification Scheme 2023. Collection method: clinical testing. Allele origin: germline.
Comment: The p.E471V variant (also known as c.1412A>T), located in coding exon 2 of the CDK12 gene, results from an A to T substitution at nucleotide position 1412. The glutamic acid at codon 471 is replaced by valine, an amino acid with dissimilar properties. This amino acid position is conserved. In addition, the in silico prediction for this alteration is inconclusive. Based on the available evidence, the clinical significance of this variant remains unclear.